The following is an entry in ClinVar:

ClinVar aggregate classification (germline): Pathogenic (3 of 4 stars; one submission).

Conditions:
Breast-ovarian cancer, familial, susceptibility to, 2 (BROVCA2). Also called: BRCA2 Hereditary Breast and Ovarian Cancer. Identifiers: Orphanet 145, MedGen C2675520, MONDO:0012933, OMIM 612555. Disease mechanism: loss of function.

Submission:

Evidence-based Network for the Interpretation of Germline Mutant Alleles (ENIGMA)
Classification: Pathogenic for Breast-ovarian cancer, familial, susceptibility to, 2. Last evaluated: 2016-09-08. Review status: reviewed by expert panel. Criteria: ENIGMA BRCA1/2 Classification Criteria (2015). Collection method: curation. Allele origin: germline.
Comment: Variant allele predicted to encode a truncated non-functional protein.

NM_000059.4(BRCA2):c.7549_7550del (p.Thr2517fs)

Gene: BRCA2 (BRCA2 DNA repair associated; plus strand). Cytogenetic location: 13q13.1.
Variant type: Deletion.
Coding change: c.7549_7550del on transcript NM_000059.4 (MANE Select); coding-DNA positions 7549 to 7550, 2 bases deleted (AC; older notation c.7549_7550delAC).
Protein change: p.Thr2517fs; shifts the reading frame from threonine 2517.
Molecular consequence: frameshift variant.
Genome position (GRCh38, 1-based): chr13:32,356,541-32,356,542, AC deleted; deleting any 2 consecutive bases within chr13:32,356,540-32,356,542 gives the same sequence; the c. name uses the placement nearest the transcript's 3' end. VCF-style (leftmost placement, unchanged base first): chr13-32356539-CCA-C. GRCh37 (hg19) VCF-style: chr13-32930676-CCA-C.
Other names: c.7549_7550delAC (NM_000059.3); short protein forms T2517fs.
Identifiers: ClinVar variation 254609 (VCV000254609.2), dbSNP rs886038173, ClinGen allele CA10586579.